The following is an entry in ClinVar:

ClinVar aggregate classification (germline): Uncertain significance. Review status: criteria provided, multiple submitters, no conflicts (2 of 4 stars). 2 submissions from 2 submitters: Uncertain significance (2). Last evaluated 2025-02-12.

Conditions:
RYR1-related disorder. Also called: RYR1-related condition; RYR1-related disorders. Identifiers: MedGen CN239331.

Submissions (2):

3billion
Classification: Uncertain significance for RYR1-related disorder. Last evaluated: 2025-02-12. Review status: criteria provided, single submitter. Criteria: ACMG Guidelines, 2015. Collection method: clinical testing. Allele origin: germline. Affected: yes.
Comment: The variant is observed in the gnomAD v4.1.0 dataset (total allele frequency: 0%). Predicted Consequence/Location: Intron variant In silico tools predict the variant to alter splicing and produce an abnormal transcript [SpliceAI: 0.90 (>=0.2, moderate evidence for spliceogenicity)]. The variant has been reported as of uncertain significance (ClinVar ID: VCV001303751). Therefore, this variant is classified as VUS according to the recommendation of ACMG/AMP guideline.

GeneDx
Classification: Uncertain significance. Last evaluated: 2019-02-26. Review status: criteria provided, single submitter. Criteria: GeneDx Variant Classification Process June 2021. Collection method: clinical testing. Allele origin: germline. Affected: yes.
Comment: Not observed in large population cohorts (Lek et al., 2016); Canonical splice site variant predicted to result in an in-frame deletion of exon 21; Has not been previously published as pathogenic or benign to our knowledge

NM_000540.3(RYR1):c.2682+5G>A

Gene: RYR1 (ryanodine receptor 1; plus strand). Cytogenetic location: 19q13.2.
Variant type: single nucleotide variant.
Coding change: c.2682+5G>A on transcript NM_000540.3 (MANE Select); 5 bases into the intron after coding-DNA position 2682, G replaced by A.
Molecular consequence: intron variant.
Genome position (GRCh38, 1-based): chr19:38,463,532, G>A. VCF-style: chr19-38463532-G-A. GRCh37 (hg19) VCF-style: chr19-38954172-G-A.
Other names: c.2682+5G>A (NM_001042723.2).
Identifiers: ClinVar variation 1303751 (VCV001303751.3), dbSNP rs1967903452, ClinGen allele CA2335035383.
Genomic context (GRCh38, chr19:38,463,532, plus strand): 5'-ACATCCACGAGCTCTGGGCGCTAACCCGCATCGAGCAGGGCTGGACCTACGGCCCGGTGA[G>A]GGGCTGCCTGCAGCCTGCGGGAGGCCGGCTAGACTTGCGGTGCCAGGAGGGAGAGCGGCT-3'